The following is an entry in ClinVar:

ClinVar aggregate classification (germline): Pathogenic. Review status: criteria provided, single submitter (1 of 4 stars). 2 submissions from 2 submitters: Pathogenic (1). 1 of the submissions does not count toward it. Last evaluated 2019-12-06.

Conditions:
Gastric cancer. Also called: Stomach cancer; Malignant tumor of stomach. Identifiers: MedGen C0024623, MeSH D013274, MONDO:0001056, OMIM 613659, HP:0012126.
Hereditary breast ovarian cancer syndrome. Also called: Hereditary breast and ovarian cancer syndrome; Breast and ovarian cancer; Hereditary breast and/or ovarian cancer syndrome; Hereditary breast and ovarian cancer syndrome (HBOC); Hereditary breast and ovarian cancer; BRCA1- and BRCA2-Associated Hereditary Breast and Ovarian Cancer. Identifiers: Orphanet 145, MedGen C0677776, MeSH D061325, MONDO:0003582. Disease mechanism: loss of function.

Submissions (2):

Women's Health and Genetics/Laboratory Corporation of America, LabCorp
Classification: Pathogenic for Hereditary breast and ovarian cancer syndrome. Last evaluated: 2019-12-06. Review status: criteria provided, single submitter. Criteria: LabCorp Variant Classification Summary - May 2015. Collection method: clinical testing. Allele origin: germline.
Comment: Variant summary: BRCA2 c.5279C>A (p.Ser1760X) results in a premature termination codon, predicted to cause a truncation of the encoded protein or absence of the protein due to nonsense mediated decay, which are commonly known mechanisms for disease. Truncations downstream of this position have been classified as pathogenic by our laboratory. The variant was absent in 250284 control chromosomes (gnomAD). c.5279C>A has been reported in the literature in an individual affected with Hereditary Breast and Ovarian Cancer (Koczkowska_2018). To our knowledge, no experimental evidence demonstrating an impact on protein function has been reported. No clinical diagnostic laboratories have submitted clinical-significance assessments for this variant to ClinVar after 2014. However, another variant at this position, c.5279C>G, which causes the same nonsense change has been highly reported and classified as pathogenic (including an expert panel). Based on the evidence outlined above, the variant was classified as pathogenic.

Laboratory for Genotyping Development, RIKEN
Classification: Pathogenic for Gastric cancer. Last evaluated: 2021-07-01. Review status: no assertion criteria provided. Collection method: research. Allele origin: germline. Not counted in ClinVar's aggregate classification.

Literature cited by the submitters: PubMed 30441849 (cited by Women's Health and Genetics/Laboratory Corporation of America, LabCorp); PubMed 36988593 (cited by Laboratory for Genotyping Development, RIKEN).

NM_000059.4(BRCA2):c.5279C>A (p.Ser1760Ter)

Gene: BRCA2 (BRCA2 DNA repair associated; plus strand). Cytogenetic location: 13q13.1.
Variant type: single nucleotide variant.
Coding change: c.5279C>A on transcript NM_000059.4 (MANE Select); coding-DNA position 5279, C replaced by A.
Protein change: p.Ser1760Ter; replaces serine 1760 with a stop codon.
Molecular consequence: nonsense.
Genome position (GRCh38, 1-based): chr13:32,339,634, C>A. VCF-style: chr13-32339634-C-A. GRCh37 (hg19) VCF-style: chr13-32913771-C-A.
Other names: short protein forms S1760*.
Identifiers: ClinVar variation 928833 (VCV000928833.19), dbSNP rs80358751, ClinGen allele CA387784762.